The following is an entry in ClinVar:

ClinVar aggregate classification (germline): Pathogenic (0 of 4 stars; one submission).

Submission:

Department of Pathology and Laboratory Medicine, Sinai Health System
Classification: Pathogenic. Review status: no assertion criteria provided. Collection method: clinical testing. Allele origin: unknown. Affected: yes. Study: The Canadian Open Genetics Repository (COGR).
Comment: The BRCA2 p.Phe620* variant was not identified in the literature nor was it identified in the dbSNP, ClinVar, LOVD 3.0, UMD-LSDB, databases. The variant was not identified in the following control databases: the Exome Aggregation Consortium (August 8th 2016), or the Genome Aggregation Database (Feb 27, 2017). The p.Phe620* variant leads to a premature stop codon at position 620 which is predicted to lead to a truncated or absent protein and loss of function. Loss of function variants of the BRCA2 gene are an established mechanism of disease in breast and ovarian cancer and is the type of variant expected to cause the disorder. In summary, based on the above information this variant meets our laboratoryâ€šÃ„Ã´s criteria to be classified as pathogenic.

NM_000059.4(BRCA2):c.1859_1865del (p.Gln619_Phe620insTer)

Gene: BRCA2 (BRCA2 DNA repair associated; plus strand). Cytogenetic location: 13q13.1.
Variant type: Deletion.
Coding change: c.1859_1865del on transcript NM_000059.4 (MANE Select); coding-DNA positions 1859 to 1865, 7 bases deleted (TTGAAGC; older notation c.1859_1865delTTGAAGC).
Protein change: p.Gln619_Phe620insTer.
Molecular consequence: nonsense.
Genome position (GRCh38, 1-based): chr13:32,333,337-32,333,343, TTGAAGC deleted. VCF-style (leftmost placement, unchanged base first): chr13-32333336-TTTGAAGC-T. GRCh37 (hg19) VCF-style: chr13-32907473-TTTGAAGC-T.
Identifiers: ClinVar variation 1049419 (VCV001049419.1), dbSNP rs2137475769, ClinGen allele CA2499222091.
Genomic context (GRCh38, chr13:32,333,336, plus strand): 5'-TATAAAGGAAAAAAAATACCGAAAGACCAAAAATCAGAACTAATTAACTGTTCAGCCCAG[TTTGAAGC>T]AAATGCTTTTGAAGCACCACTTACATTTGCAAATGCTGATTCAGGTACCTCTGTCTTTTT-3'